The following is an entry in ClinVar:

ClinVar aggregate classification (germline): Uncertain significance (1 of 4 stars; one submission).

Conditions:
Hereditary cancer-predisposing syndrome. Also called: Neoplastic Syndromes, Hereditary; Tumor predisposition; Hereditary Cancer Syndrome; Hereditary neoplastic syndrome. Identifiers: Orphanet 140162, MedGen C0027672, MeSH D009386, MONDO:0015356.

Submission:

Ambry Genetics
Classification: Uncertain significance for Hereditary cancer-predisposing syndrome. Last evaluated: 2020-03-19. Review status: criteria provided, single submitter. Criteria: Ambry Variant Classification Scheme 2023. Collection method: clinical testing. Allele origin: germline.
Comment: The p.D374V variant (also known as c.1121A>T), located in coding exon 7 of the BRIP1 gene, results from an A to T substitution at nucleotide position 1121. The aspartic acid at codon 374 is replaced by valine, an amino acid with highly dissimilar properties. This amino acid position is highly conserved in available vertebrate species. In addition, this alteration is predicted to be deleterious by in silico analysis. Since supporting evidence is limited at this time, the clinical significance of this alteration remains unclear.

NM_032043.3(BRIP1):c.1121A>T (p.Asp374Val)

Gene: BRIP1 (BRCA1 interacting DNA helicase 1; minus strand). Cytogenetic location: 17q23.2.
Variant type: single nucleotide variant.
Coding change: c.1121A>T on transcript NM_032043.3 (MANE Select); coding-DNA position 1121, A replaced by T.
Protein change: p.Asp374Val; replaces aspartic acid 374 with valine.
Molecular consequence: missense variant.
Genome position (GRCh38, 1-based): chr17:61,801,272, T>A on the plus strand (A>T on the coding strand, the complement: BRIP1 is on the minus strand). VCF-style: chr17-61801272-T-A. GRCh37 (hg19) VCF-style: chr17-59878633-T-A.
Other names: short protein forms D374V.
Identifiers: ClinVar variation 1797870 (VCV001797870.2), dbSNP rs1603343117, ClinGen allele CA400483888.